The following is an entry in ClinVar:

ClinVar aggregate classification (germline): Uncertain significance (1 of 4 stars; one submission).

gnomAD v4.1: 4 of 1,614,102 alleles (0.00025%); highest among the groups gnomAD compares: South Asian, 0.0033%; no homozygotes.

Submission:

Ambry Genetics
Classification: Uncertain significance. Last evaluated: 2025-10-13. Review status: criteria provided, single submitter. Criteria: Ambry Variant Classification Scheme 2023. Collection method: clinical testing. Allele origin: germline.
Comment: The p.N303D variant (also known as c.907A>G), located in coding exon 1 of the TET2 gene, results from an A to G substitution at nucleotide position 907. The asparagine at codon 303 is replaced by aspartic acid, an amino acid with highly similar properties. This amino acid position is conserved. In addition, this alteration is predicted to be tolerated by in silico analysis. Based on the available evidence, the clinical significance of this variant remains unclear.

NM_001127208.3(TET2):c.907A>G (p.Asn303Asp)

Genes: TET2 (tet methylcytosine dioxygenase 2; plus strand), TET2-AS1 (TET2 antisense RNA 1; minus strand). Cytogenetic location: 4q24.
Variant type: single nucleotide variant.
Coding change: c.907A>G on transcript NM_001127208.3 (MANE Select); coding-DNA position 907, A replaced by G.
Protein change: p.Asn303Asp; replaces asparagine 303 with aspartic acid.
Molecular consequence: missense variant.
Genome position (GRCh38, 1-based): chr4:105,234,849, A>G. VCF-style: chr4-105234849-A-G. GRCh37 (hg19) VCF-style: chr4-106156006-A-G.
Other names: c.907A>G, p.Asn303Asp (NM_017628.4); short protein forms N303D.
Identifiers: ClinVar variation 4594159 (VCV004594159.1).